The following is an entry in ClinVar:

NM_016239.4(MYO15A):c.7061del (p.Asn2354fs)

Gene: MYO15A (myosin XVA; plus strand). Cytogenetic location: 17p11.2.
Variant type: Deletion.
Coding change: c.7061del on transcript NM_016239.4 (MANE Select); coding-DNA position 7061, one base deleted (A; older notation c.7061delA).
Protein change: p.Asn2354fs; shifts the reading frame from asparagine 2354.
Molecular consequence: frameshift variant.
Genome position (GRCh38, 1-based): chr17:18,149,320, A deleted; the last of 2 consecutive A bases (chr17:18,149,319-18,149,320); deleting either gives the same sequence. VCF-style (leftmost placement, unchanged base first): chr17-18149318-CA-C. GRCh37 (hg19) VCF-style: chr17-18052632-CA-C.
Other names: short protein forms N2354fs.
Identifiers: ClinVar variation 2829123 (VCV002829123.3), dbSNP rs2545280490, ClinGen allele CA2739267232.
Genomic context (GRCh38, chr17:18,149,318, plus strand): 5'-TAGACCCCAGCCCCAGGAGCACATGCCCAAAGTACTTGACTCTGATGGGTACAGCAGCCA[CA>C]ATCAGGACGGTACAAATGGGGAGACTGAGGCCCAAAGAGGGACAGCAACCCACCAAGGTC-3'

ClinVar aggregate classification (germline): Pathogenic (1 of 4 stars; one submission).

Submission:

Labcorp Genetics (formerly Invitae), Labcorp
Classification: Pathogenic. Last evaluated: 2023-10-17. Review status: criteria provided, single submitter. Criteria: Invitae Variant Classification Sherloc (09022015). Collection method: clinical testing. Allele origin: germline.
Comment: This sequence change creates a premature translational stop signal (p.Asn2354Ilefs*63) in the MYO15A gene. It is expected to result in an absent or disrupted protein product. Loss-of-function variants in MYO15A are known to be pathogenic (PMID: 17546645). This variant is not present in population databases (gnomAD no frequency). This variant has not been reported in the literature in individuals affected with MYO15A-related conditions. For these reasons, this variant has been classified as Pathogenic.

Literature cited by the submitters: PubMed 17546645.